The following is an entry in ClinVar:

ClinVar aggregate classification (germline): Likely benign (1 of 4 stars; one submission).

Allele frequency attached by ClinVar (database versions not stated): gnomAD exomes below 0.00001; ExAC 0.00001; TOPMed 0.00001; gnomAD 0.00002.
gnomAD v4.1: 4 of 1,614,028 alleles (0.00025%); highest among the groups gnomAD compares: African/African-American, 0.0053%; no homozygotes.

Submission:

CeGaT Center for Human Genetics Tuebingen
Classification: Likely benign. Last evaluated: 2023-01-01. Review status: criteria provided, single submitter. Criteria: CeGaT Center For Human Genetics Tuebingen Variant Classification Criteria Version 2. Collection method: clinical testing. Allele origin: germline. Affected: yes. Observed: 1 variant allele.
Comment: GRIN2B: BP4, BP7

NM_000834.5(GRIN2B):c.618C>T (p.Asp206=)

Gene: GRIN2B (glutamate ionotropic receptor NMDA type subunit 2B; minus strand). Cytogenetic location: 12p13.1.
Variant type: single nucleotide variant.
Coding change: c.618C>T on transcript NM_000834.5 (MANE Select); coding-DNA position 618, C replaced by T.
Protein change: p.Asp206=; no amino-acid change (aspartic acid 206 retained).
Molecular consequence: synonymous variant.
Genome position (GRCh38, 1-based): chr12:13,753,709, G>A on the plus strand (C>T on the coding strand, the complement: GRIN2B is on the minus strand). VCF-style: chr12-13753709-G-A. GRCh37 (hg19) VCF-style: chr12-13906643-G-A.
Other names: c.618C>T, p.Asp206= (NM_001413992.1, NM_001413993.1, NM_001413994.1 and 1 more transcripts).
Identifiers: ClinVar variation 2642753 (VCV002642753.24), dbSNP rs77918519, ClinGen allele CA6461383.